The following is an entry in ClinVar:

NM_001457.4(FLNB):c.151A>C (p.Ile51Leu)

Gene: FLNB (filamin B; plus strand). Cytogenetic location: 3p14.3.
Variant type: single nucleotide variant.
Coding change: c.151A>C on transcript NM_001457.4 (MANE Select); coding-DNA position 151, A replaced by C.
Protein change: p.Ile51Leu; replaces isoleucine 51 with leucine.
Molecular consequence: missense variant.
Genome position (GRCh38, 1-based): chr3:58,008,715, A>C. VCF-style: chr3-58008715-A-C. GRCh37 (hg19) VCF-style: chr3-57994442-A-C.
Other names: c.151A>C, p.Ile51Leu (NM_001164317.2, NM_001164318.2, NM_001164319.2); short protein forms I51L.
Identifiers: ClinVar variation 4801677 (VCV004801677.1).

ClinVar aggregate classification (germline): Uncertain significance (1 of 4 stars; one submission).

gnomAD v4.1: 1 of 1,614,056 alleles (0.000062%); highest among the groups gnomAD compares: African/African-American, 0.0013%; no homozygotes.

Submission:

Labcorp Genetics (formerly Invitae), Labcorp
Classification: Uncertain significance. Last evaluated: 2026-02-02. Review status: criteria provided, single submitter. Criteria: Invitae Variant Classification Sherloc (09022015). Collection method: clinical testing. Allele origin: germline.
Comment: This sequence change replaces isoleucine, which is neutral and non-polar, with leucine, which is neutral and non-polar, at codon 51 of the FLNB protein (p.Ile51Leu). This variant is not present in population databases (gnomAD no frequency). This variant has not been reported in the literature in individuals affected with FLNB-related conditions. Invitae Evidence Modeling of protein sequence and biophysical properties (such as structural, functional, and spatial information, amino acid conservation, physicochemical variation, residue mobility, and thermodynamic stability) indicates that this missense variant is not expected to disrupt FLNB protein function with a negative predictive value of 95%. In summary, the available evidence is currently insufficient to determine the role of this variant in disease. Therefore, it has been classified as a Variant of Uncertain Significance.